The following is an entry in ClinVar:

NM_004304.5(ALK):c.2356-2A>T

Gene: ALK (ALK receptor tyrosine kinase; minus strand). Cytogenetic location: 2p23.2.
Variant type: single nucleotide variant.
Coding change: c.2356-2A>T on transcript NM_004304.5 (MANE Select); the canonical splice acceptor site of the intron before coding-DNA position 2356, A replaced by T.
Molecular consequence: splice acceptor variant.
Genome position (GRCh38, 1-based): chr2:29,233,698, T>A on the plus strand (A>T on the coding strand, the complement: ALK is on the minus strand). VCF-style: chr2-29233698-T-A. GRCh37 (hg19) VCF-style: chr2-29456564-T-A.
Identifiers: ClinVar variation 3724164 (VCV003724164.2).
Genomic context (GRCh38, chr2:29,233,698, plus strand): 5'-ATTTCTTCTTCTATCACATTGTTCTCTCCAATGCAGACTTTCTGGATTAACTGGTTTGTC[T>A]GTAGAAACAAAAAGCACGTTAGGTTTGTGGCCAAACCAGAGTTCTCCACTTTGCAGCAGA-3'

ClinVar aggregate classification (germline): Uncertain significance (1 of 4 stars; one submission).

Conditions:
Neuroblastoma, susceptibility to, 3. Also called: ALK-Related Neuroblastic Tumor Susceptibility. Identifiers: Orphanet 635, MedGen C2751681, MONDO:0013083, OMIM 613014.

Submission:

Labcorp Genetics (formerly Invitae), Labcorp
Classification: Uncertain significance for Neuroblastoma, susceptibility to, 3. Last evaluated: 2024-10-30. Review status: criteria provided, single submitter. Criteria: Invitae Variant Classification Sherloc (09022015). Collection method: clinical testing. Allele origin: germline.
Comment: This sequence change affects an acceptor splice site in intron 13 of the ALK gene. It is expected to disrupt RNA splicing. Variants that disrupt the donor or acceptor splice site typically lead to a loss of protein function (PMID: 16199547), however the current clinical and genetic evidence is not sufficient to establish whether loss-of-function variants in ALK cause disease. This variant is not present in population databases (gnomAD no frequency). This variant has not been reported in the literature in individuals affected with ALK-related conditions. Algorithms developed to predict the effect of sequence changes on RNA splicing suggest that this variant may disrupt the consensus splice site. In summary, the available evidence is currently insufficient to determine the role of this variant in disease. Therefore, it has been classified as a Variant of Uncertain Significance.

Literature cited by the submitters: PubMed 16199547.